The following is an entry in ClinVar:

ClinVar aggregate classification (germline): Uncertain significance (1 of 4 stars; one submission).

Submission:

GeneDx
Classification: Uncertain significance. Last evaluated: 2024-01-19. Review status: criteria provided, single submitter. Criteria: GeneDx Variant Classification Process June 2021. Collection method: clinical testing. Allele origin: germline. Affected: yes.
Comment: Not observed at significant frequency in large population cohorts (gnomAD); In silico analysis supports that this missense variant does not alter protein structure/function; Has not been previously published as pathogenic or benign to our knowledge

NM_000384.3(APOB):c.9496A>G (p.Lys3166Glu)

Gene: APOB (apolipoprotein B; minus strand). Cytogenetic location: 2p24.1.
Variant type: single nucleotide variant.
Coding change: c.9496A>G on transcript NM_000384.3 (MANE Select); coding-DNA position 9496, A replaced by G.
Protein change: p.Lys3166Glu; replaces lysine 3166 with glutamic acid.
Molecular consequence: missense variant.
Genome position (GRCh38, 1-based): chr2:21,007,372, T>C on the plus strand (A>G on the coding strand, the complement: APOB is on the minus strand). VCF-style: chr2-21007372-T-C. GRCh37 (hg19) VCF-style: chr2-21230244-T-C.
Other names: short protein forms K3166E.
Identifiers: ClinVar variation 3368070 (VCV003368070.1).